The following is an entry in ClinVar:

NM_001868.4(CPA1):c.23G>T (p.Ser8Ile)

Gene: CPA1 (carboxypeptidase A1; plus strand). Cytogenetic location: 7q32.2.
Variant type: single nucleotide variant.
Coding change: c.23G>T on transcript NM_001868.4 (MANE Select); coding-DNA position 23, G replaced by T.
Protein change: p.Ser8Ile; replaces serine 8 with isoleucine.
Molecular consequence: missense variant.
Genome position (GRCh38, 1-based): chr7:130,380,543, G>T. VCF-style: chr7-130380543-G-T. GRCh37 (hg19) VCF-style: chr7-130020384-G-T.
Other names: short protein forms S8I.
Identifiers: ClinVar variation 1366944 (VCV001366944.8), dbSNP rs2117498346, ClinGen allele CA369278917.

ClinVar aggregate classification (germline): Uncertain significance. Review status: criteria provided, multiple submitters, no conflicts (2 of 4 stars). 2 submissions from 2 submitters: Uncertain significance (2). Last evaluated 2023-10-27.

Conditions:
Hereditary pancreatitis (PCTT). Also called: Hereditary chronic pancreatitis; PRSS1-Related Hereditary Pancreatitis. Identifiers: Orphanet 676, MedGen C0238339, MONDO:0008185, OMIM 167800.

Allele frequency attached by ClinVar (database versions not stated): gnomAD exomes below 0.00001.
gnomAD v4.1: 2 of 1,316,524 alleles (0.00015%); highest among the groups gnomAD compares: East Asian, 0.0028%; no homozygotes.

Submissions (2):

Ambry Genetics
Classification: Uncertain significance for Hereditary pancreatitis. Last evaluated: 2023-10-27. Review status: criteria provided, single submitter. Criteria: Ambry Variant Classification Scheme 2023. Collection method: clinical testing. Allele origin: germline.
Comment: The p.S8I variant (also known as c.23G>T), located in coding exon 1 of the CPA1 gene, results from a G to T substitution at nucleotide position 23. The serine at codon 8 is replaced by isoleucine, an amino acid with dissimilar properties. This amino acid position is well conserved in available vertebrate species. In addition, this alteration is predicted to be tolerated by in silico analysis. Since supporting evidence is limited at this time, the clinical significance of this alteration remains unclear.

Labcorp Genetics (formerly Invitae), Labcorp
Classification: Uncertain significance. Last evaluated: 2023-09-25. Review status: criteria provided, single submitter. Criteria: Invitae Variant Classification Sherloc (09022015). Collection method: clinical testing. Allele origin: germline.
Comment: This sequence change replaces serine, which is neutral and polar, with isoleucine, which is neutral and non-polar, at codon 8 of the CPA1 protein (p.Ser8Ile). This variant is not present in population databases (gnomAD no frequency). This variant has not been reported in the literature in individuals affected with CPA1-related conditions. ClinVar contains an entry for this variant (Variation ID: 1366944). Experimental studies and prediction algorithms are not available or were not evaluated, and the functional significance of this variant is currently unknown. In summary, the available evidence is currently insufficient to determine the role of this variant in disease. Therefore, it has been classified as a Variant of Uncertain Significance.